The following is an entry in ClinVar:

NM_001283009.2(RTEL1):c.3296T>G (p.Leu1099Trp)

Genes: RTEL1 (regulator of telomere elongation helicase 1; plus strand), RTEL1-TNFRSF6B (RTEL1-TNFRSF6B readthrough (NMD candidate); plus strand). Cytogenetic location: 20q13.33.
Variant type: single nucleotide variant.
Coding change: c.3296T>G on transcript NM_001283009.2 (MANE Select); coding-DNA position 3296, T replaced by G.
Protein change: p.Leu1099Trp; replaces leucine 1099 with tryptophan.
Molecular consequence: missense variant. On other transcripts: non-coding transcript variant (1).
Genome position (GRCh38, 1-based): chr20:63,694,927, T>G. VCF-style: chr20-63694927-T-G. GRCh37 (hg19) VCF-style: chr20-62326280-T-G.
Other names: c.2627T>G, p.Leu876Trp (NM_001283010.1); c.3296T>G, p.Leu1099Trp (NM_016434.4); c.3368T>G, p.Leu1123Trp (NM_032957.5); short protein forms L1099W, L876W, L1123W.
Identifiers: ClinVar variation 967450 (VCV000967450.7), dbSNP rs199998697, ClinGen allele CA409685137.

ClinVar aggregate classification (germline): Uncertain significance (1 of 4 stars; one submission).

Conditions:
Dyskeratosis congenita, autosomal recessive 5 (DKCB5). Identifiers: MedGen C3554656, MONDO:0014076, OMIM 615190.
Pulmonary fibrosis and/or bone marrow failure, Telomere-related, 3. Also called: PULMONARY FIBROSIS AND/OR BONE MARROW FAILURE SYNDROME, TELOMERE-RELATED, 3. Identifiers: Orphanet 2032, MedGen C4225346, MONDO:0014613, OMIM 616373.

Submission:

Labcorp Genetics (formerly Invitae), Labcorp
Classification: Uncertain significance for Dyskeratosis congenita, autosomal recessive 5; Pulmonary fibrosis and/or bone marrow failure, Telomere-related, 3. Last evaluated: 2021-08-20. Review status: criteria provided, single submitter. Criteria: Invitae Variant Classification Sherloc (09022015). Collection method: clinical testing. Allele origin: germline.
Comment: This sequence change replaces leucine with tryptophan at codon 1099 of the RTEL1 protein (p.Leu1099Trp). The leucine residue is weakly conserved and there is a small physicochemical difference between leucine and tryptophan. This variant is not present in population databases (ExAC no frequency). This variant has not been reported in the literature in individuals affected with RTEL1-related conditions. Algorithms developed to predict the effect of missense changes on protein structure and function are either unavailable or do not agree on the potential impact of this missense change (SIFT: "Deleterious"; PolyPhen-2: "Possibly Damaging"; Align-GVGD: "Class C0"). In summary, the available evidence is currently insufficient to determine the role of this variant in disease. Therefore, it has been classified as a Variant of Uncertain Significance.